The following is an entry in ClinVar:

ClinVar aggregate classification (germline): Uncertain significance (1 of 4 stars; one submission).

Conditions:
Cardiovascular phenotype. Identifiers: MedGen CN230736.

gnomAD v4.1: 6 of 1,609,540 alleles (0.00037%); highest among the groups gnomAD compares: Non-Finnish European, 0.00051%; no homozygotes.

Submission:

Ambry Genetics
Classification: Uncertain significance for Cardiovascular phenotype. Last evaluated: 2025-05-26. Review status: criteria provided, single submitter. Criteria: Ambry Variant Classification Scheme 2023. Collection method: clinical testing. Allele origin: germline.
Comment: The p.R1369I variant (also known as c.4106G>T), located in coding exon 6 of the ALPK3 gene, results from a G to T substitution at nucleotide position 4106. The arginine at codon 1369 is replaced by isoleucine, an amino acid with similar properties. This amino acid position is conserved. In addition, this alteration is predicted to be tolerated by in silico analysis. Based on the available evidence, the clinical significance of this variant remains unclear.

NM_020778.5(ALPK3):c.3500G>T (p.Arg1167Ile)

Gene: ALPK3 (alpha kinase 3; plus strand). Cytogenetic location: 15q25.3.
Variant type: single nucleotide variant.
Coding change: c.3500G>T on transcript NM_020778.5 (MANE Select); coding-DNA position 3500, G replaced by T.
Protein change: p.Arg1167Ile; replaces arginine 1167 with isoleucine.
Molecular consequence: missense variant.
Genome position (GRCh38, 1-based): chr15:84,858,238, G>T. VCF-style: chr15-84858238-G-T. GRCh37 (hg19) VCF-style: chr15-85401469-G-T.
Other names: short protein forms R1167I.
Identifiers: ClinVar variation 4044885 (VCV004044885.1).